The following is an entry in ClinVar:

NM_000057.4(BLM):c.2630A>G (p.Asp877Gly)

Gene: BLM (BLM RecQ like helicase; plus strand). Cytogenetic location: 15q26.1.
Variant type: single nucleotide variant.
Coding change: c.2630A>G on transcript NM_000057.4 (MANE Select); coding-DNA position 2630, A replaced by G.
Protein change: p.Asp877Gly; replaces aspartic acid 877 with glycine.
Molecular consequence: missense variant.
Genome position (GRCh38, 1-based): chr15:90,782,896, A>G. VCF-style: chr15-90782896-A-G. GRCh37 (hg19) VCF-style: chr15-91326126-A-G.
Other names: c.2630A>G, p.Asp877Gly (NM_001287246.2, NM_001287247.2); c.1505A>G, p.Asp502Gly (NM_001287248.2); c.2630A>G (NM_000057.2); short protein forms D502G, D877G.
Identifiers: ClinVar variation 813653 (VCV000813653.10), dbSNP rs1373872204, ClinGen allele CA393845754.

ClinVar aggregate classification (germline): Uncertain significance. Review status: criteria provided, multiple submitters, no conflicts (2 of 4 stars). 4 submissions from 4 submitters: Uncertain significance (2). 2 of the submissions do not count toward it. Last evaluated 2025-07-07.

Conditions:
Bloom syndrome (BLM). Also called: Bloom-Torre-Machacek syndrome. Identifiers: Orphanet 125, MedGen C0005859, MONDO:0008876, OMIM 210900.
Hereditary cancer-predisposing syndrome. Also called: Tumor predisposition; Hereditary neoplastic syndrome; Neoplastic Syndromes, Hereditary; Hereditary Cancer Syndrome. Identifiers: Orphanet 140162, MedGen C0027672, MeSH D009386, MONDO:0015356.
Microcephaly. Also called: Microcephaly (disease). Identifiers: MedGen C4551563, MONDO:0001149, HP:0000252.

Allele frequency attached by ClinVar (database versions not stated): gnomAD exomes below 0.00001.
gnomAD v4.1: 2 of 1,613,574 alleles (0.00012%); highest among the groups gnomAD compares: East Asian, 0.0045%; no homozygotes.

Submissions (4):

Labcorp Genetics (formerly Invitae), Labcorp
Classification: Uncertain significance for Bloom syndrome. Last evaluated: 2025-07-07. Review status: criteria provided, single submitter. Criteria: Invitae Variant Classification Sherloc (09022015). Collection method: clinical testing. Allele origin: germline.
Comment: This sequence change replaces aspartic acid, which is acidic and polar, with glycine, which is neutral and non-polar, at codon 877 of the BLM protein (p.Asp877Gly). This variant is present in population databases (no rsID available, gnomAD 0.006%). This variant has not been reported in the literature in individuals affected with BLM-related conditions. ClinVar contains an entry for this variant (Variation ID: 813653). Invitae Evidence Modeling of protein sequence and biophysical properties (such as structural, functional, and spatial information, amino acid conservation, physicochemical variation, residue mobility, and thermodynamic stability) indicates that this missense variant is expected to disrupt BLM protein function with a positive predictive value of 80%. In summary, the available evidence is currently insufficient to determine the role of this variant in disease. Therefore, it has been classified as a Variant of Uncertain Significance.

Ambry Genetics
Classification: Uncertain significance for Hereditary cancer-predisposing syndrome. Last evaluated: 2023-09-22. Review status: criteria provided, single submitter. Criteria: Ambry Variant Classification Scheme 2023. Collection method: clinical testing. Allele origin: germline.
Comment: The p.D877G variant (also known as c.2630A>G), located in coding exon 12 of the BLM gene, results from an A to G substitution at nucleotide position 2630. The aspartic acid at codon 877 is replaced by glycine, an amino acid with similar properties. This amino acid position is highly conserved in available vertebrate species. In addition, the in silico prediction for this alteration is inconclusive. Since supporting evidence is limited at this time, the clinical significance of this alteration remains unclear.

Natera, Inc.
Classification: Uncertain significance for Bloom syndrome. Last evaluated: 2020-09-16. Review status: no assertion criteria provided. Collection method: clinical testing. Allele origin: germline. Not counted in ClinVar's aggregate classification.

Department of Pediatrics, Samsung Medical Center, Samsung Medical Center
Classification: Uncertain significance for Microcephaly. Review status: no assertion criteria provided. Criteria: ACMG Guidelines, 2015. Collection method: research. Allele origin: germline. Affected: yes. Not counted in ClinVar's aggregate classification.